The following is an entry in ClinVar:

ClinVar aggregate classification (germline): Uncertain significance. Review status: criteria provided, multiple submitters, no conflicts (2 of 4 stars). 2 submissions from 2 submitters: Uncertain significance (2). Last evaluated 2025-12-11.

Conditions:
Familial thoracic aortic aneurysm and aortic dissection (TAAD). Also called: Thoracic aortic aneurysms and dissections. Identifiers: Orphanet 91387, MedGen C4707243, MONDO:0019625.
Shprintzen-Goldberg syndrome (SGS). Also called: SHPRINTZEN-GOLDBERG CRANIOSYNOSTOSIS SYNDROME; CRANIOSYNOSTOSIS WITH ARACHNODACTYLY AND ABDOMINAL HERNIAS; Marfanoid disorder with craniosynostosis type 1; Marfanoid craniosynostosis syndrome; Shprintzen-Goldberg marfanoid syndrome. Identifiers: Orphanet 2462, MedGen C1321551, MONDO:0008426, OMIM 182212.

Allele frequency attached by ClinVar (database versions not stated): TOPMed below 0.00001; gnomAD 0.00001.
gnomAD v4.1: 1 of 1,613,638 alleles (0.000062%); highest among the groups gnomAD compares: Non-Finnish European, 0.000085%; no homozygotes.

Submissions (2):

Ambry Genetics
Classification: Uncertain significance for Familial thoracic aortic aneurysm and aortic dissection. Last evaluated: 2025-12-11. Review status: criteria provided, single submitter. Criteria: Ambry Variant Classification Scheme 2023. Collection method: clinical testing. Allele origin: germline.
Comment: The p.S389I variant (also known as c.1166G>T), located in coding exon 3 of the SKI gene, results from a G to T substitution at nucleotide position 1166. The serine at codon 389 is replaced by isoleucine, an amino acid with dissimilar properties. This amino acid position is conserved. In addition, the in silico prediction for this alteration is inconclusive. Since supporting evidence is limited at this time, the clinical significance of this alteration remains unclear.

Labcorp Genetics (formerly Invitae), Labcorp
Classification: Uncertain significance for Shprintzen-Goldberg syndrome. Last evaluated: 2025-08-11. Review status: criteria provided, single submitter. Criteria: Invitae Variant Classification Sherloc (09022015). Collection method: clinical testing. Allele origin: germline.
Comment: This sequence change replaces serine, which is neutral and polar, with isoleucine, which is neutral and non-polar, at codon 389 of the SKI protein (p.Ser389Ile). This variant is not present in population databases (gnomAD no frequency). This variant has not been reported in the literature in individuals affected with SKI-related conditions. ClinVar contains an entry for this variant (Variation ID: 2064705). Invitae Evidence Modeling of protein sequence and biophysical properties (such as structural, functional, and spatial information, amino acid conservation, physicochemical variation, residue mobility, and thermodynamic stability) indicates that this missense variant is not expected to disrupt SKI protein function with a negative predictive value of 95%. In summary, the available evidence is currently insufficient to determine the role of this variant in disease. Therefore, it has been classified as a Variant of Uncertain Significance.

NM_003036.4(SKI):c.1166G>T (p.Ser389Ile)

Gene: SKI (SKI proto-oncogene; plus strand). Cytogenetic location: 1p36.32.
Variant type: single nucleotide variant.
Coding change: c.1166G>T on transcript NM_003036.4 (MANE Select); coding-DNA position 1166, G replaced by T.
Protein change: p.Ser389Ile; replaces serine 389 with isoleucine.
Molecular consequence: missense variant.
Genome position (GRCh38, 1-based): chr1:2,303,355, G>T. VCF-style: chr1-2303355-G-T. GRCh37 (hg19) VCF-style: chr1-2234794-G-T.
Other names: c.1166G>T (NM_003036.3); short protein forms S389I.
Identifiers: ClinVar variation 2064705 (VCV002064705.8), dbSNP rs749419969, ClinGen allele CA337954532.